The following is an entry in ClinVar:

NM_144643.4(SCLT1):c.78T>A (p.Ser26Arg)

Gene: SCLT1 (sodium channel and clathrin linker 1; minus strand). Cytogenetic location: 4q28.2.
Variant type: single nucleotide variant.
Coding change: c.78T>A on transcript NM_144643.4 (MANE Select); coding-DNA position 78, T replaced by A.
Protein change: p.Ser26Arg; replaces serine 26 with arginine.
Molecular consequence: missense variant.
Genome position (GRCh38, 1-based): chr4:129,082,330, A>T on the plus strand (T>A on the coding strand, the complement: SCLT1 is on the minus strand). VCF-style: chr4-129082330-A-T. GRCh37 (hg19) VCF-style: chr4-130003485-A-T.
Other names: c.78T>A, p.Ser26Arg (NM_001300897.2, NM_001300898.2, NM_001410807.1); short protein forms S26R.
Identifiers: ClinVar variation 1954692 (VCV001954692.5), dbSNP rs1752012972, ClinGen allele CA358237854.
Genomic context (GRCh38, chr4:129,082,330, plus strand): 5'-GAGAATATTCCCAAGTAGAATTTATAATTTACATACCTGTACAGATGAATATTTGGAAAA[A>T]CTTTCCATTTGATACCGCCTAAAATCTTCATTTAGTCTTCGATCTGAAACAAGCGGGAAA-3'
Protein context (NP_653244.2, residues 16-36): NEDFRRYQME[Ser26Arg]FSKYSSVQKA

ClinVar aggregate classification (germline): Uncertain significance (1 of 4 stars; one submission).

Allele frequency attached by ClinVar (database versions not stated): gnomAD exomes below 0.00001.
gnomAD v4.1: 3 of 1,585,978 alleles (0.00019%); highest among the groups gnomAD compares: African/African-American, 0.0013%; no homozygotes.

Submission:

Labcorp Genetics (formerly Invitae), Labcorp
Classification: Uncertain significance. Last evaluated: 2024-02-24. Review status: criteria provided, single submitter. Criteria: Invitae Variant Classification Sherloc (09022015). Collection method: clinical testing. Allele origin: germline.
Comment: This sequence change replaces serine, which is neutral and polar, with arginine, which is basic and polar, at codon 26 of the SCLT1 protein (p.Ser26Arg). This variant is not present in population databases (gnomAD no frequency). This variant has not been reported in the literature in individuals affected with SCLT1-related conditions. ClinVar contains an entry for this variant (Variation ID: 1954692). An algorithm developed to predict the effect of missense changes on protein structure and function (PolyPhen-2) suggests that this variant is likely to be tolerated. In summary, the available evidence is currently insufficient to determine the role of this variant in disease. Therefore, it has been classified as a Variant of Uncertain Significance.